The following is an entry in ClinVar:

NM_022124.6(CDH23):c.2783G>A (p.Arg928His)

Gene: CDH23 (cadherin related 23; plus strand). Cytogenetic location: 10q22.1.
Variant type: single nucleotide variant.
Coding change: c.2783G>A on transcript NM_022124.6 (MANE Select); coding-DNA position 2783, G replaced by A.
Protein change: p.Arg928His; replaces arginine 928 with histidine.
Molecular consequence: missense variant.
Genome position (GRCh38, 1-based): chr10:71,704,960, G>A. VCF-style: chr10-71704960-G-A. GRCh37 (hg19) VCF-style: chr10-73464717-G-A.
Other names: c.2783G>A, p.Arg928His (NM_001171930.2, NM_001171931.2); short protein forms R928H.
Identifiers: ClinVar variation 3998981 (VCV003998981.3).

ClinVar aggregate classification (germline): Uncertain significance. Review status: criteria provided, multiple submitters, no conflicts (2 of 4 stars). 3 submissions from 3 submitters: Uncertain significance (3). Last evaluated 2025-05-23.

Conditions:
CDH23-related disorder. Also called: CDH23-related disorders; CDH23-related condition.
Inborn genetic diseases. Identifiers: MedGen C0950123, MeSH D030342.

gnomAD v4.1: 9 of 1,612,890 alleles (0.00056%); highest among the groups gnomAD compares: East Asian, 0.0022%; no homozygotes.

Submissions (3):

Ambry Genetics
Classification: Uncertain significance for Inborn genetic diseases. Last evaluated: 2025-05-23. Review status: criteria provided, single submitter. Criteria: Ambry Variant Classification Scheme 2023. Collection method: clinical testing. Allele origin: germline.

PreventionGenetics, part of Exact Sciences
Classification: Uncertain significance for CDH23-related condition. Last evaluated: 2024-10-30. Review status: criteria provided, single submitter. Criteria: ACMG Guidelines, 2015. Collection method: clinical testing. Allele origin: germline.
Comment: The CDH23 c.2783G>A variant is predicted to result in the amino acid substitution p.Arg928His. To our knowledge, this variant has not been reported in the literature. This variant is present in 0.00090% of alleles in individuals of European (Non-Finnish) descent in gnomAD. At this time, the clinical significance of this variant is uncertain due to the absence of conclusive functional and genetic evidence.

Blueprint Genetics
Classification: Uncertain significance. Last evaluated: 2021-02-04. Review status: criteria provided, single submitter. Criteria: ACMG Guidelines, 2015. Collection method: clinical testing. Allele origin: germline.